The following is an entry in ClinVar:

NM_206933.4(USH2A):c.596A>G (p.Lys199Arg)

Gene: USH2A (usherin; minus strand). Cytogenetic location: 1q41.
Variant type: single nucleotide variant.
Coding change: c.596A>G on transcript NM_206933.4 (MANE Select); coding-DNA position 596, A replaced by G.
Protein change: p.Lys199Arg; replaces lysine 199 with arginine.
Molecular consequence: missense variant.
Genome position (GRCh38, 1-based): chr1:216,418,569, T>C on the plus strand (A>G on the coding strand, the complement: USH2A is on the minus strand). VCF-style: chr1-216418569-T-C. GRCh37 (hg19) VCF-style: chr1-216591911-T-C.
Other names: c.596A>G, p.Lys199Arg (NM_007123.6); short protein forms K199R.
Identifiers: ClinVar variation 1520386 (VCV001520386.5), dbSNP rs2102783823, ClinGen allele CA344902393.

ClinVar aggregate classification (germline): Uncertain significance (1 of 4 stars; one submission).

Allele frequency attached by ClinVar (database versions not stated): gnomAD exomes below 0.00001.
gnomAD v4.1: 3 of 1,613,424 alleles (0.00019%); highest among the groups gnomAD compares: Middle Eastern, 0.017%; no homozygotes.

Submission:

Labcorp Genetics (formerly Invitae), Labcorp
Classification: Uncertain significance. Last evaluated: 2021-09-24. Review status: criteria provided, single submitter. Criteria: Invitae Variant Classification Sherloc (09022015). Collection method: clinical testing. Allele origin: germline.
Comment: This sequence change replaces lysine with arginine at codon 199 of the USH2A protein (p.Lys199Arg). The lysine residue is highly conserved and there is a small physicochemical difference between lysine and arginine. This variant is not present in population databases (ExAC no frequency). This variant has not been reported in the literature in individuals with USH2A-related conditions. Algorithms developed to predict the effect of missense changes on protein structure and function are either unavailable or do not agree on the potential impact of this missense change (SIFT: "Deleterious"; PolyPhen-2: "Probably Damaging"; Align-GVGD: "Class C0"). In summary, the available evidence is currently insufficient to determine the role of this variant in disease. Therefore, it has been classified as a Variant of Uncertain Significance.